The following is an entry in ClinVar:

NM_005378.6(MYCN):c.658G>T (p.Ala220Ser)

Gene: MYCN (MYCN proto-oncogene, bHLH transcription factor; plus strand). Cytogenetic location: 2p24.3.
Variant type: single nucleotide variant.
Coding change: c.658G>T on transcript NM_005378.6 (MANE Select); coding-DNA position 658, G replaced by T.
Protein change: p.Ala220Ser; replaces alanine 220 with serine.
Molecular consequence: missense variant. On other transcripts: 3 prime UTR variant (1), intron variant (1).
Genome position (GRCh38, 1-based): chr2:15,942,722, G>T. VCF-style: chr2-15942722-G-T. GRCh37 (hg19) VCF-style: chr2-16082844-G-T.
Other names: c.658G>T, p.Ala220Ser (NM_001293228.2); c.*593G>T (NM_001293233.2); c.157+1979G>T (NM_001293231.2); c.658G>T (NM_005378.5); short protein forms A220S.
Identifiers: ClinVar variation 379273 (VCV000379273.41), dbSNP rs745414155, ClinGen allele CA1538207.

ClinVar aggregate classification (germline): Conflicting classifications of pathogenicity. Review status: criteria provided, conflicting classifications (1 of 4 stars). 8 submissions from 8 submitters: Uncertain significance (1); Likely benign (6). 1 of the submissions does not count toward it. Last evaluated 2026-01-14.

Conditions:
Inborn genetic diseases. Identifiers: MedGen C0950123, MeSH D030342.
Feingold syndrome type 1 (FGLDS1). Also called: MICROCEPHALY, MENTAL RETARDATION, AND TRACHEOESOPHAGEAL FISTULA SYNDROME; MICROCEPHALY-OCULO-DIGITO-ESOPHAGEAL-DUODENAL SYNDROME; OCULODIGITOESOPHAGODUODENAL SYNDROME; ODED SYNDROME; MICROCEPHALY AND DIGITAL ABNORMALITIES WITH NORMAL INTELLIGENCE. Identifiers: Orphanet 1305, Orphanet 391641, MedGen C4551774, MONDO:0008115, OMIM 164280.
Megalencephaly-polydactyly syndrome (MPAPA). Identifiers: MedGen C5935591, MONDO:0958279, OMIM 620748.
MYCN-related disorder. Also called: MYCN-related condition.

Allele frequency attached by ClinVar (database versions not stated): TOPMed 0.00026; gnomAD 0.00028; ExAC 0.00037; gnomAD exomes 0.00087.
gnomAD v4.1: 364 of 1,209,492 alleles (0.03%); highest among the groups gnomAD compares: Middle Eastern, 0.7%; no homozygotes.

Submissions (8):

Labcorp Genetics (formerly Invitae), Labcorp
Classification: Likely benign. Last evaluated: 2026-01-14. Review status: criteria provided, single submitter. Criteria: Invitae Variant Classification Sherloc (09022015). Collection method: clinical testing. Allele origin: germline.

CeGaT Center for Human Genetics Tuebingen
Classification: Likely benign. Last evaluated: 2025-08-01. Review status: criteria provided, single submitter. Criteria: CeGaT Center For Human Genetics Tuebingen Variant Classification Criteria Version 2. Collection method: clinical testing. Allele origin: germline. Affected: yes. Observed: 4 variant alleles.
Comment: MYCN: BS1

Blueprint Genetics
Classification: Likely benign. Last evaluated: 2024-08-28. Review status: criteria provided, single submitter. Criteria: ACMG Guidelines, 2015. Collection method: clinical testing. Allele origin: germline.

Department of Pathology and Laboratory Medicine, Sinai Health System
Classification: Likely benign for Feingold syndrome type 1; Megalencephaly-polydactyly syndrome. Last evaluated: 2022-04-05. Review status: criteria provided, single submitter. Criteria: ACMG Guidelines, 2015. Collection method: research. Allele origin: germline.

Ambry Genetics
Classification: Likely benign for Inborn genetic diseases. Last evaluated: 2022-03-08. Review status: criteria provided, single submitter. Criteria: Ambry Variant Classification Scheme 2023. Collection method: clinical testing. Allele origin: germline.

Eurofins Ntd Llc (ga)
Classification: Uncertain significance. Last evaluated: 2017-08-24. Review status: criteria provided, single submitter. Criteria: EGL Classification Definitions 2015. Collection method: clinical testing. Allele origin: germline. Observed: 2 variant alleles, 2 heterozygotes.

GeneDx
Classification: Likely benign. Last evaluated: 2017-01-31. Review status: criteria provided, single submitter. Criteria: GeneDx Variant Classification (06012015). Collection method: clinical testing. Allele origin: germline. Affected: yes.
Comment: This variant is considered likely benign or benign based on one or more of the following criteria: it is a conservative change, it occurs at a poorly conserved position in the protein, it is predicted to be benign by multiple in silico algorithms, and/or has population frequency not consistent with disease.

PreventionGenetics, part of Exact Sciences
Classification: Likely benign for MYCN-related condition. Last evaluated: 2019-04-25. Review status: no assertion criteria provided. Collection method: clinical testing. Allele origin: germline. Not counted in ClinVar's aggregate classification.
Comment: This variant is classified as likely benign based on ACMG/AMP sequence variant interpretation guidelines (Richards et al. 2015 PMID: 25741868, with internal and published modifications).